The following is an entry in ClinVar:

ClinVar aggregate classification (germline): Pathogenic (1 of 4 stars; one submission).

Submission:

Labcorp Genetics (formerly Invitae), Labcorp
Classification: Pathogenic. Last evaluated: 2023-04-15. Review status: criteria provided, single submitter. Criteria: Invitae Variant Classification Sherloc (09022015). Collection method: clinical testing. Allele origin: germline.
Comment: This sequence change creates a premature translational stop signal (p.Gly366Alafs*55) in the PDE8B gene. It is expected to result in an absent or disrupted protein product. Loss-of-function variants in PDE8B are known to be pathogenic (PMID: 20085714, 26475694, 26769607). This variant is not present in population databases (gnomAD no frequency). This variant has not been reported in the literature in individuals affected with PDE8B-related conditions. For these reasons, this variant has been classified as Pathogenic.

Literature cited by the submitters: PubMed 20085714; PubMed 26475694; PubMed 26769607.

NM_003719.5(PDE8B):c.1097del (p.Gly366fs)

Gene: PDE8B (phosphodiesterase 8B; plus strand). Cytogenetic location: 5q13.3.
Variant type: Deletion.
Coding change: c.1097del on transcript NM_003719.5 (MANE Select); coding-DNA position 1097, one base deleted (G; older notation c.1097delG).
Protein change: p.Gly366fs; shifts the reading frame from glycine 366.
Molecular consequence: frameshift variant. On other transcripts: intron variant (6).
Genome position (GRCh38, 1-based): chr5:77,351,144, G deleted; the last of 2 consecutive G bases (chr5:77,351,143-77,351,144); deleting either gives the same sequence. VCF-style (leftmost placement, unchanged base first): chr5-77351142-TG-T. GRCh37 (hg19) VCF-style: chr5-76646967-TG-T.
Other names: c.1097del, p.Gly366fs (NM_001029852.4, NM_001376063.1); c.1037del, p.Gly346fs (NM_001029853.4); c.956del, p.Gly319fs (NM_001029854.4); c.1094del, p.Gly365fs (NM_001349748.3, NM_001349751.3); c.1160del, p.Gly387fs (NM_001349749.3); c.857del, p.Gly286fs (NM_001349750.3); c.791del, p.Gly264fs (NM_001349752.3); c.725del, p.Gly242fs (NM_001349753.2, NM_001376067.1, NM_001376068.1 and 2 more transcripts); and 11 more; short protein forms G217fs, G365fs, G238fs, G242fs, G366fs, G387fs, G218fs, G265fs.
Identifiers: ClinVar variation 2839265 (VCV002839265.3), dbSNP rs2531241138, ClinGen allele CA2739274782.